The following is an entry in ClinVar:

NM_001384140.1(PCDH15):c.2822del (p.Lys941fs)

Gene: PCDH15 (protocadherin related 15; minus strand). Cytogenetic location: 10q21.1.
Variant type: Deletion.
Coding change: c.2822del on transcript NM_001384140.1 (MANE Select); coding-DNA position 2822, one base deleted (A; older notation c.2822delA).
Protein change: p.Lys941fs; shifts the reading frame from lysine 941.
Molecular consequence: frameshift variant.
Genome position (GRCh38, 1-based): chr10:53,995,695, T deleted on the plus strand (A on the coding strand, the reverse complement: PCDH15 is on the minus strand); the first of 2 consecutive T bases (chr10:53,995,695-53,995,696); deleting either gives the same sequence. VCF-style (leftmost placement, unchanged base first): chr10-53995694-CT-C. GRCh37 (hg19) VCF-style: chr10-55755454-CT-C.
Other names: c.2837del, p.Lys946fs (NM_001142763.2, NM_001142771.2); c.2822del, p.Lys941fs (NM_001142764.2, NM_001142766.2, NM_001142770.3 and 5 more transcripts); c.2609del, p.Lys870fs (NM_001142765.2); c.2711del, p.Lys904fs (NM_001142767.2); c.2756del, p.Lys919fs (NM_001142768.2, NM_001142773.2, NM_001354404.2); c.2857delA, p.Lys953Argfs (NM_001142769.4); c.2843del, p.Lys948fs (NM_001354411.2); short protein forms K870fs, K904fs, K919fs, K941fs, K946fs, K948fs, K953fs.
Identifiers: ClinVar variation 1726573 (VCV001726573.5), dbSNP rs2538938783, ClinGen allele CA2574454344.

ClinVar aggregate classification (germline): Pathogenic/Likely pathogenic. Review status: criteria provided, multiple submitters, no conflicts (2 of 4 stars). 2 submissions from 2 submitters: Pathogenic (1); Likely pathogenic (1). Last evaluated 2023-11-20.

Conditions:
Usher syndrome type 1D (USH1D). Also called: USHER SYNDROME, TYPE ID. Identifiers: Orphanet 231169, Orphanet 886, MedGen C1832845, MONDO:0010984, OMIM 601067.

Submissions (2):

Labcorp Genetics (formerly Invitae), Labcorp
Classification: Pathogenic. Last evaluated: 2023-11-20. Review status: criteria provided, single submitter. Criteria: Invitae Variant Classification Sherloc (09022015). Collection method: clinical testing. Allele origin: germline.
Comment: This sequence change creates a premature translational stop signal (p.Lys941Argfs*23) in the PCDH15 gene. It is expected to result in an absent or disrupted protein product. Loss-of-function variants in PCDH15 are known to be pathogenic (PMID: 11398101, 11487575, 14570705). This variant is not present in population databases (gnomAD no frequency). This variant has not been reported in the literature in individuals affected with PCDH15-related conditions. ClinVar contains an entry for this variant (Variation ID: 1726573). For these reasons, this variant has been classified as Pathogenic.

Myriad Genetics, Inc.
Classification: Likely pathogenic for Usher syndrome type 1D. Last evaluated: 2021-12-22. Review status: criteria provided, single submitter. Criteria: Myriad Women's Health Autosomal Recessive and X-Linked Classification Criteria (2021). Collection method: clinical testing. Allele origin: unknown.
Comment: NM_033056.3(PCDH15):c.2822delA(K941Rfs*23) is expected to be pathogenic in the context of PCDH15-related disorders. This variant is predicted to lead to an abnormal or absent protein product due to the creation of a premature termination codon in PCDH15, a gene where loss-of-function variants are known to be pathogenic. Please note: this variant was assessed in the context of healthy population screening.

Literature cited by the submitters: PubMed 11398101 (cited by Labcorp Genetics (formerly Invitae), Labcorp); PubMed 11487575 (cited by Labcorp Genetics (formerly Invitae), Labcorp); PubMed 14570705 (cited by Labcorp Genetics (formerly Invitae), Labcorp).